The following is an entry in ClinVar:

ClinVar aggregate classification (germline): Uncertain significance (1 of 4 stars; one submission).

gnomAD v4.1: 16 of 1,612,070 alleles (0.00099%); highest among the groups gnomAD compares: Non-Finnish European, 0.0014%; no homozygotes.

Submission:

Labcorp Genetics (formerly Invitae), Labcorp
Classification: Uncertain significance. Last evaluated: 2023-03-26. Review status: criteria provided, single submitter. Criteria: Invitae Variant Classification Sherloc (09022015). Collection method: clinical testing. Allele origin: germline.
Comment: This sequence change falls in intron 4 of the HYOU1 gene. It does not directly change the encoded amino acid sequence of the HYOU1 protein. In summary, the available evidence is currently insufficient to determine the role of this variant in disease. Therefore, it has been classified as a Variant of Uncertain Significance. Experimental studies and prediction algorithms are not available or were not evaluated, and the effect of this variant on mRNA splicing is currently unknown. This variant has not been reported in the literature in individuals affected with HYOU1-related conditions. This variant is present in population databases (no rsID available, gnomAD 0.0009%).

NM_006389.5(HYOU1):c.265-13C>T

Gene: HYOU1 (hypoxia up-regulated 1; minus strand). Cytogenetic location: 11q23.3.
Variant type: single nucleotide variant.
Coding change: c.265-13C>T on transcript NM_006389.5 (MANE Select); 13 bases into the intron before coding-DNA position 265, C replaced by T.
Molecular consequence: intron variant.
Genome position (GRCh38, 1-based): chr11:119,055,352, G>A on the plus strand (C>T on the coding strand, the complement: HYOU1 is on the minus strand). VCF-style: chr11-119055352-G-A. GRCh37 (hg19) VCF-style: chr11-118926064-G-A.
Other names: c.265-13C>T (NM_001130991.3, NM_001411041.1).
Identifiers: ClinVar variation 2963423 (VCV002963423.3), dbSNP rs782781924, ClinGen allele CA229649077.